The following is an entry in ClinVar:

ClinVar aggregate classification (germline): Conflicting classifications of pathogenicity. Review status: criteria provided, conflicting classifications (1 of 4 stars). 2 submissions from 2 submitters: Uncertain significance (1); Likely benign (1). Last evaluated 2025-05-20.

Conditions:
Tumor predisposition syndrome 3 (TPDS3). Also called: Melanoma, cutaneous malignant, susceptibility to, 10; Glioma susceptibility 9; LONG TELOMERE SYNDROME, POT1-RELATED; POT1 Tumor Predisposition. Identifiers: Orphanet 618, MedGen C4014476, MONDO:0014368, OMIM 615848.
Hereditary cancer-predisposing syndrome. Also called: Tumor predisposition; Hereditary Cancer Syndrome; Hereditary neoplastic syndrome; Neoplastic Syndromes, Hereditary. Identifiers: Orphanet 140162, MedGen C0027672, MeSH D009386, MONDO:0015356.

Submissions (2):

Labcorp Genetics (formerly Invitae), Labcorp
Classification: Uncertain significance for Tumor predisposition syndrome 3. Last evaluated: 2025-05-20. Review status: criteria provided, single submitter. Criteria: Invitae Variant Classification Sherloc (09022015). Collection method: clinical testing. Allele origin: germline.
Comment: This sequence change affects codon 562 of the POT1 mRNA. It is a 'silent' change, meaning that it does not change the encoded amino acid sequence of the POT1 protein. It affects a nucleotide within the consensus splice site. This variant is not present in population databases (gnomAD no frequency). This variant has not been reported in the literature in individuals affected with POT1-related conditions. ClinVar contains an entry for this variant (Variation ID: 3423118). Algorithms developed to predict the effect of sequence changes on RNA splicing suggest that this variant is not likely to affect RNA splicing. In summary, the available evidence is currently insufficient to determine the role of this variant in disease. Therefore, it has been classified as a Variant of Uncertain Significance.

Ambry Genetics
Classification: Likely benign for Hereditary cancer-predisposing syndrome. Last evaluated: 2024-09-19. Review status: criteria provided, single submitter. Criteria: Ambry Variant Classification Scheme 2023. Collection method: clinical testing. Allele origin: germline.

NM_015450.3(POT1):c.1686T>C (p.Ser562=)

Gene: POT1 (protection of telomeres 1; minus strand). Cytogenetic location: 7q31.33.
Variant type: single nucleotide variant.
Coding change: c.1686T>C on transcript NM_015450.3 (MANE Select); coding-DNA position 1686, T replaced by C.
Protein change: p.Ser562=; no amino-acid change (serine 562 retained).
Molecular consequence: synonymous variant. On other transcripts: non-coding transcript variant (3).
Genome position (GRCh38, 1-based): chr7:124,827,214, A>G on the plus strand (T>C on the coding strand, the complement: POT1 is on the minus strand). VCF-style: chr7-124827214-A-G. GRCh37 (hg19) VCF-style: chr7-124467268-A-G.
Other names: c.1293T>C, p.Ser431= (NM_001042594.2).
Identifiers: ClinVar variation 3423118 (VCV003423118.3).
Genomic context (GRCh38, chr7:124,827,214, plus strand): 5'-ATTCAATTTTTTAAATATTATTTTTTAATTAAAAATATCTTTATTACCTCTGATACTTAC[A>G]GAATCCATGAGATAGGCTTCTAGTACTCCTGTTCCATCATCAAGTGTAAAGGTCATAACA-3'
Protein context (NP_056265.2, residues 552-572): TGVLEAYLMD[Ser562=]DKFFQIPASE